The following is an entry in ClinVar:

ClinVar aggregate classification (germline): Uncertain significance (1 of 4 stars; one submission).

Conditions:
PCNT-related disorder. Also called: PCNT-related condition.

gnomAD v4.1: 75 of 1,613,166 alleles (0.0046%); highest among the groups gnomAD compares: Non-Finnish European, 0.0059%; no homozygotes.

Submission:

PreventionGenetics, part of Exact Sciences
Classification: Uncertain significance for PCNT-related condition. Last evaluated: 2025-11-14. Review status: criteria provided, single submitter. Criteria: ACMG Guidelines, 2015. Collection method: clinical testing. Allele origin: germline.
Comment: The PCNT c.8918G>C variant is predicted to result in the amino acid substitution p.Arg2973Pro. To our knowledge, this variant has not been reported in the literature. This variant is reported in 0.0071% of alleles in individuals of European (Non-Finnish) descent in gnomAD. At this time, the clinical significance of this variant is uncertain due to the absence of conclusive functional and genetic evidence.

NM_006031.6(PCNT):c.8918G>C (p.Arg2973Pro)

Gene: PCNT (pericentrin; plus strand). Cytogenetic location: 21q22.3.
Variant type: single nucleotide variant.
Coding change: c.8918G>C on transcript NM_006031.6 (MANE Select); coding-DNA position 8918, G replaced by C.
Protein change: p.Arg2973Pro; replaces arginine 2973 with proline.
Molecular consequence: missense variant.
Genome position (GRCh38, 1-based): chr21:46,436,070, G>C. VCF-style: chr21-46436070-G-C. GRCh37 (hg19) VCF-style: chr21-47855983-G-C.
Other names: c.8327G>C, p.Arg2776Pro (NM_001315529.2); short protein forms R2776P, R2973P.
Identifiers: ClinVar variation 4987636 (VCV004987636.1).